The following is an entry in ClinVar:

ClinVar aggregate classification (germline): Uncertain significance (1 of 4 stars; one submission).

gnomAD v4.1: 3 of 1,613,920 alleles (0.00019%); highest among the groups gnomAD compares: African/African-American, 0.0027%; no homozygotes.

Submission:

ARUP Laboratories, Molecular Genetics and Genomics, ARUP Laboratories
Classification: Uncertain significance. Last evaluated: 2024-01-11. Review status: criteria provided, single submitter. Criteria: ARUP Molecular Germline Variant Investigation Process 2024. Collection method: clinical testing. Allele origin: germline.
Comment: The TTN c.3442G>A; p.Ala1148Thr variant (rs889422639; ClinVar Variation ID: 386524) is rare in the general population (<0.2% allele frequency in the Genome Aggregation Database) and has not been reported in the medical literature in association with dilated cardiomyopathy (DCM) or other TTN-related disease. The clinical relevance of rare missense variants in this gene, which are identified on average once per individual sequenced in affected populations (Herman 2012), is not well understood. Yet, evidence suggests that the vast majority of such missense variants do not contribute to the clinical outcome of DCM (Begay 2015). Thus, the clinical significance of the p.Ala1148Thr variant cannot be determined with certainty. References: Begay RL et al. Role of Titin Missense Variants in Dilated Cardiomyopathy. J Am Heart Assoc. 2015 Nov 13;4(11). PMID: 26567375. Herman DS et al. Truncations of titin causing dilated cardiomyopathy. N Engl J Med. 2012 Feb 16;366(7):619-28. PMID: 22335739. Linke WA and Hamdani N. Gigantic business: titin properties and function through thick and thin. Circ Res 2014; 114(6): 1052-1068. PMID: 24625729.

NM_001267550.2(TTN):c.3442G>A (p.Ala1148Thr)

Gene: TTN (titin; minus strand). Cytogenetic location: 2q31.2.
Variant type: single nucleotide variant.
Coding change: c.3442G>A on transcript NM_001267550.2 (MANE Select); coding-DNA position 3442, G replaced by A.
Protein change: p.Ala1148Thr; replaces alanine 1148 with threonine.
Molecular consequence: missense variant.
Genome position (GRCh38, 1-based): chr2:178,781,202, C>T on the plus strand (G>A on the coding strand, the complement: TTN is on the minus strand). VCF-style: chr2-178781202-C-T. GRCh37 (hg19) VCF-style: chr2-179645929-C-T.
Other names: c.3442G>A, p.Ala1148Thr (NM_001256850.1, NM_133378.4, NM_133379.5); c.3304G>A, p.Ala1102Thr (NM_003319.4, NM_133432.3, NM_133437.4); short protein forms A1102T, A1148T.
Identifiers: ClinVar variation 3766969 (VCV003766969.1).